The following is an entry in ClinVar:

ClinVar aggregate classification (germline): Uncertain significance. Review status: criteria provided, multiple submitters, no conflicts (2 of 4 stars). 2 submissions from 2 submitters: Uncertain significance (2). Last evaluated 2024-08-08.

Conditions:
Focal segmental glomerulosclerosis 6 (FSGS6). Identifiers: Orphanet 656, MedGen C3279905, MONDO:0013589, OMIM 614131.

Allele frequency attached by ClinVar (database versions not stated): ExAC 0.00002; gnomAD 0.00003 and 0.00001; 1000 Genomes Project 30x 0.00016; 1000 Genomes Project 0.00020; gnomAD exomes 0.00001; TOPMed 0.00001.
gnomAD v4.1: 12 of 1,614,138 alleles (0.00074%); highest among the groups gnomAD compares: East Asian, 0.02%; no homozygotes.

Submissions (2):

Labcorp Genetics (formerly Invitae), Labcorp
Classification: Uncertain significance. Last evaluated: 2024-08-08. Review status: criteria provided, single submitter. Criteria: Invitae Variant Classification Sherloc (09022015). Collection method: clinical testing. Allele origin: germline.
Comment: This sequence change replaces asparagine, which is neutral and polar, with serine, which is neutral and polar, at codon 15 of the MYO1E protein (p.Asn15Ser). This variant is present in population databases (rs542281660, gnomAD 0.02%). This variant has not been reported in the literature in individuals affected with MYO1E-related conditions. ClinVar contains an entry for this variant (Variation ID: 1414813). An algorithm developed to predict the effect of missense changes on protein structure and function (PolyPhen-2) suggests that this variant is likely to be disruptive. In summary, the available evidence is currently insufficient to determine the role of this variant in disease. Therefore, it has been classified as a Variant of Uncertain Significance.

Fulgent Genetics
Classification: Uncertain significance for Focal segmental glomerulosclerosis 6. Last evaluated: 2021-08-06. Review status: criteria provided, single submitter. Criteria: ACMG Guidelines, 2015. Collection method: clinical testing. Allele origin: unknown.

NM_004998.4(MYO1E):c.44A>G (p.Asn15Ser)

Gene: MYO1E (myosin IE; minus strand). Cytogenetic location: 15q22.2.
Variant type: single nucleotide variant.
Coding change: c.44A>G on transcript NM_004998.4 (MANE Select); coding-DNA position 44, A replaced by G.
Protein change: p.Asn15Ser; replaces asparagine 15 with serine.
Molecular consequence: missense variant.
Genome position (GRCh38, 1-based): chr15:59,272,409, T>C on the plus strand (A>G on the coding strand, the complement: MYO1E is on the minus strand). VCF-style: chr15-59272409-T-C. GRCh37 (hg19) VCF-style: chr15-59564608-T-C.
Other names: short protein forms N15S.
Identifiers: ClinVar variation 1414813 (VCV001414813.6), dbSNP rs542281660, ClinGen allele CA7590475.
Genomic context (GRCh38, chr15:59,272,409, plus strand): 5'-ATGGAGTTCTCTGTGATCTTGGACAGTAGCACCATGTCGTCCACACCACTGTGCTTGACA[T>C]TGTGGCTTTGCCAGTGGTACTGGTAGACACCTTTGCTTCCCTGGGAACATAAAACATACA-3'
Protein context (NP_004989.2, residues 5-25): GVYQYHWQSH[Asn15Ser]VKHSGVDDMV